The following is an entry in ClinVar:

ClinVar aggregate classification (germline): Uncertain significance (1 of 4 stars; one submission).

Submission:

Women's Health and Genetics/Laboratory Corporation of America, LabCorp
Classification: Uncertain significance. Last evaluated: 2026-04-20. Review status: criteria provided, single submitter. Criteria: LabCorp Variant Classification Summary - May 2015. Collection method: clinical testing. Allele origin: germline.
Comment: Variant summary: TTN c.53659G>C (p.Glu17887Gln) results in a conservative amino acid change in the encoded protein sequence. Algorithms developed to predict the effect of missense changes on protein structure and function are either unavailable or do not agree on the potential impact of this missense change. The frequency data for this variant in gnomAD is considered unreliable, as metrics indicate poor data quality at this position. To our knowledge, no occurrence of c.53659G>C in individuals affected with TTN-related conditions and no experimental evidence demonstrating its impact on protein function have been reported. No submitters have cited clinical-significance assessments for this variant to ClinVar. Based on the evidence outlined above, the variant was classified as uncertain significance.

NM_001267550.2(TTN):c.61363G>C (p.Glu20455Gln)

Genes: TTN (titin; minus strand), TTN-AS1 (TTN antisense RNA 1; plus strand). Cytogenetic location: 2q31.2.
Variant type: single nucleotide variant.
Coding change: c.61363G>C on transcript NM_001267550.2 (MANE Select); coding-DNA position 61363, G replaced by C.
Protein change: p.Glu20455Gln; replaces glutamic acid 20455 with glutamine.
Molecular consequence: missense variant.
Genome position (GRCh38, 1-based): chr2:178,590,362, C>G on the plus strand (G>C on the coding strand, the complement: TTN is on the minus strand). VCF-style: chr2-178590362-C-G. GRCh37 (hg19) VCF-style: chr2-179455089-C-G.
Other names: c.56440G>C, p.Glu18814Gln (NM_001256850.1); c.34168G>C, p.Glu11390Gln (NM_003319.4); c.53659G>C, p.Glu17887Gln (NM_133378.4); c.34543G>C, p.Glu11515Gln (NM_133432.3); c.34744G>C, p.Glu11582Gln (NM_133437.4); short protein forms E11390Q, E11515Q, E11582Q, E17887Q, E18814Q, E20455Q.
Identifiers: ClinVar variation 4848404 (VCV004848404.1).